The following is an entry in ClinVar:

NM_002691.4(POLD1):c.2807A>T (p.Tyr936Phe)

Gene: POLD1 (DNA polymerase delta 1, catalytic subunit; plus strand). Cytogenetic location: 19q13.33.
Variant type: single nucleotide variant.
Coding change: c.2807A>T on transcript NM_002691.4 (MANE Select); coding-DNA position 2807, A replaced by T.
Protein change: p.Tyr936Phe; replaces tyrosine 936 with phenylalanine.
Molecular consequence: missense variant.
Genome position (GRCh38, 1-based): chr19:50,415,813, A>T. VCF-style: chr19-50415813-A-T. GRCh37 (hg19) VCF-style: chr19-50919070-A-T.
Other names: c.2807A>T, p.Tyr936Phe (NM_001256849.1); c.2885A>T, p.Tyr962Phe (NM_001308632.1); short protein forms Y936F, Y962F.
Identifiers: ClinVar variation 3626804 (VCV003626804.2).

ClinVar aggregate classification (germline): Uncertain significance (1 of 4 stars; one submission).

Conditions:
POLD1-related polyposis and colorectal cancer syndrome (CRCS10). Also called: Colorectal cancer 10; COLORECTAL CANCER, SUSCEPTIBILITY TO, ON CHROMOSOME 19q; Colorectal cancer, susceptibility to, 10. Identifiers: Orphanet 220460, MedGen C2675481, MONDO:0012953, OMIM 612591.

gnomAD v4.1: 1 of 1,533,214 alleles (0.000065%); highest among the groups gnomAD compares: Non-Finnish European, 0.000088%; no homozygotes.

Submission:

Labcorp Genetics (formerly Invitae), Labcorp
Classification: Uncertain significance for POLD1-related polyposis and colorectal cancer syndrome. Last evaluated: 2024-02-15. Review status: criteria provided, single submitter. Criteria: Invitae Variant Classification Sherloc (09022015). Collection method: clinical testing. Allele origin: germline.
Comment: This sequence change replaces tyrosine, which is neutral and polar, with phenylalanine, which is neutral and non-polar, at codon 936 of the POLD1 protein (p.Tyr936Phe). This variant is not present in population databases (gnomAD no frequency). This variant has not been reported in the literature in individuals affected with POLD1-related conditions. Advanced modeling of protein sequence and biophysical properties (such as structural, functional, and spatial information, amino acid conservation, physicochemical variation, residue mobility, and thermodynamic stability) performed at Invitae indicates that this missense variant is not expected to disrupt POLD1 protein function with a negative predictive value of 80%. In summary, the available evidence is currently insufficient to determine the role of this variant in disease. Therefore, it has been classified as a Variant of Uncertain Significance.